The following is an entry in ClinVar:

NM_000051.4(ATM):c.74A>G (p.Lys25Arg)

Gene: ATM (ATM serine/threonine kinase; plus strand). Cytogenetic location: 11q22.3.
Variant type: single nucleotide variant.
Coding change: c.74A>G on transcript NM_000051.4 (MANE Select); coding-DNA position 74, A replaced by G.
Protein change: p.Lys25Arg; replaces lysine 25 with arginine.
Molecular consequence: missense variant.
Genome position (GRCh38, 1-based): chr11:108,227,777, A>G. VCF-style: chr11-108227777-A-G. GRCh37 (hg19) VCF-style: chr11-108098504-A-G.
Other names: c.74A>G, p.Lys25Arg (NM_001351834.2, NM_001351835.2, NM_001351836.2); short protein forms K25R.
Identifiers: ClinVar variation 844674 (VCV000844674.9), dbSNP rs751310537, ClinGen allele CA6264513.

ClinVar aggregate classification (germline): Uncertain significance (1 of 4 stars; one submission).

Conditions:
Ataxia-telangiectasia syndrome (AT). Also called: Ataxia-telangiectasia, complementation group D; AT, COMPLEMENTATION GROUP C; Ataxia telangiectasia (A-T); Cerebello-oculocutaneous telangiectasia; Immunodeficiency with ataxia telangiectasia; Ataxia-telangiectasia. Identifiers: Orphanet 100, MedGen C0004135, MONDO:0008840, OMIM 208900.

Allele frequency attached by ClinVar (database versions not stated): gnomAD exomes below 0.00001; ExAC 0.00002.
gnomAD v4.1: 2 of 1,613,592 alleles (0.00012%); highest among the groups gnomAD compares: East Asian, 0.0022%; no homozygotes.

Submission:

Labcorp Genetics (formerly Invitae), Labcorp
Classification: Uncertain significance for Ataxia-telangiectasia syndrome. Last evaluated: 2022-05-31. Review status: criteria provided, single submitter. Criteria: Invitae Variant Classification Sherloc (09022015). Collection method: clinical testing. Allele origin: germline.
Comment: In summary, the available evidence is currently insufficient to determine the role of this variant in disease. Therefore, it has been classified as a Variant of Uncertain Significance. Algorithms developed to predict the effect of sequence changes on RNA splicing suggest that this variant may disrupt the consensus splice site. This sequence change replaces lysine, which is basic and polar, with arginine, which is basic and polar, at codon 25 of the ATM protein (p.Lys25Arg). This variant is present in population databases (rs751310537, gnomAD 0.006%). This variant has not been reported in the literature in individuals affected with ATM-related conditions. ClinVar contains an entry for this variant (Variation ID: 844674). Algorithms developed to predict the effect of missense changes on protein structure and function output the following: SIFT: "Tolerated"; PolyPhen-2: "Benign"; Align-GVGD: "Class C0". The arginine amino acid residue is found in multiple mammalian species, which suggests that this missense change does not adversely affect protein function.